The following is an entry in ClinVar:

NM_000218.3(KCNQ1):c.1033G>C (p.Gly345Arg)

Gene: KCNQ1 (potassium voltage-gated channel subfamily Q member 1; plus strand). Cytogenetic location: 11p15.5.
Variant type: single nucleotide variant.
Coding change: c.1033G>C on transcript NM_000218.3 (MANE Select); coding-DNA position 1033, G replaced by C.
Protein change: p.Gly345Arg; replaces glycine 345 with arginine.
Molecular consequence: missense variant.
Genome position (GRCh38, 1-based): chr11:2,585,212, G>C. VCF-style: chr11-2585212-G-C. GRCh37 (hg19) VCF-style: chr11-2606442-G-C.
Other names: c.1033G>C (LRG_287t1); c.763G>C, p.Gly255Arg (NM_001406837.1); c.652G>C, p.Gly218Arg (NM_181798.2); short protein forms G345R, G218R, G255R.
Identifiers: ClinVar variation 52940 (VCV000052940.6), dbSNP rs199473471, ClinGen allele CA005053.

ClinVar aggregate classification (germline): Pathogenic. Review status: criteria provided, single submitter (1 of 4 stars). 2 submissions from 2 submitters: Pathogenic (1). 1 of the submissions does not count toward it. Last evaluated 2015-08-06.

Conditions:
Familial long QT syndrome (RWS). Also called: Congenital long QT syndrome; Romano-Ward syndrome; VENTRICULAR FIBRILLATION WITH PROLONGED QT INTERVAL. Identifiers: Orphanet 768, MedGen C1141890, MONDO:0019171.
Long QT syndrome (LQTS). Identifiers: MedGen C0023976, MeSH D008133, MONDO:0002442. Disease mechanism: loss of function. Inheritance: Various modes of inheritance.

Submissions (2):

Labcorp Genetics (formerly Invitae), Labcorp
Classification: Pathogenic for Long QT syndrome. Last evaluated: 2015-08-06. Review status: criteria provided, single submitter. Criteria: Invitae Variant Classification Sherloc (09022015). Collection method: clinical testing. Allele origin: germline.
Comment: In summary, this variant is absent from population databases, has been observed in multiple individuals with long QT syndrome, has been shown to segregate with the phenotype, and disrupts an essential amino acid residue. For these reasons, this variant has been classified as Pathogenic. A different missense substitution at this codon (p.Gly216Glu) is reported to be deleterious (PMID: 8528244, 10376919). This indicates that the glycine residue is important for KCNQ1 protein function. This variant is also known as p.Gly216Arg in the literature. This variant has been reported in the literature and is not currently found in any individuals from the population databases (rs199473471, no frequency). It was reported in more than ten individuals from the International Long QT syndrome registry (PMID: 14678125) and has been shown to segregate with long QT syndrome in a large family (PMID: 9272155). This sequence change replaces glycine with arginine at codon 345 of the KCNQ1 protein (p.Gly345Arg). The glycine residue is highly conserved and there is a moderate physicochemical difference between glycine and arginine.

Cardiovascular Biomedical Research Unit, Royal Brompton & Harefield NHS Foundation Trust
No classification provided. Condition: Familial long QT syndrome. Review status: no classification provided. Collection method: literature only. Allele origin: germline. Not counted in ClinVar's aggregate classification.
Comment: This variant has been reported as associated with Long QT syndrome in the following publications (PMID:9272155;PMID:10220144;PMID:14678125). This is a literature report, and does not necessarily reflect the clinical interpretation of the Imperial College / Royal Brompton Cardiovascular Genetics laboratory.

Literature cited by the submitters: PubMed 8528244 (cited by Labcorp Genetics (formerly Invitae), Labcorp); PubMed 10376919 (cited by Labcorp Genetics (formerly Invitae), Labcorp); PubMed 14678125 (cited by Labcorp Genetics (formerly Invitae), Labcorp and Cardiovascular Biomedical Research Unit, Royal Brompton & Harefield NHS Foundation Trust); PubMed 9272155 (cited by Labcorp Genetics (formerly Invitae), Labcorp and Cardiovascular Biomedical Research Unit, Royal Brompton & Harefield NHS Foundation Trust); PubMed 10220144 (cited by Cardiovascular Biomedical Research Unit, Royal Brompton & Harefield NHS Foundation Trust); PubMed 22581653 (cited by Cardiovascular Biomedical Research Unit, Royal Brompton & Harefield NHS Foundation Trust).